The following is an entry in ClinVar:

NM_007294.4(BRCA1):c.2930del (p.Pro977fs)

Gene: BRCA1 (BRCA1 DNA repair associated; minus strand). Cytogenetic location: 17q21.31.
Variant type: Deletion.
Coding change: c.2930del on transcript NM_007294.4 (MANE Select); coding-DNA position 2930, one base deleted (C; older notation c.2930delC).
Protein change: p.Pro977fs; shifts the reading frame from proline 977.
Molecular consequence: frameshift variant. On other transcripts: intron variant (137).
Genome position (GRCh38, 1-based): chr17:43,092,601, G deleted on the plus strand (C on the coding strand, the reverse complement: BRCA1 is on the minus strand); the first of 3 consecutive G bases (chr17:43,092,601-43,092,603); deleting any one gives the same sequence. VCF-style (leftmost placement, unchanged base first): chr17-43092600-TG-T. GRCh37 (hg19) VCF-style: chr17-41244617-TG-T.
Other names: c.671-1569del (NM_001408419.1, NM_001408423.1, NM_001408420.1 and 2 more transcripts); c.2930delC (NM_007294.3); c.2717del, p.Pro906fs (NM_001407571.1, NM_001407853.1, NM_001407894.1 and 9 more transcripts); c.2930del, p.Pro977fs (NM_001407581.1, NM_001407582.1, NM_001407583.1 and 30 more transcripts); c.2927del, p.Pro976fs (NM_001407587.1, NM_001407590.1, NM_001407611.1 and 22 more transcripts); c.2921del, p.Pro974fs (NM_001407646.1, NM_001407647.1); c.2807del, p.Pro936fs (NM_001407648.1, NM_001407664.1, NM_001407665.1 and 19 more transcripts); c.2804del, p.Pro935fs (NM_001407649.1, NM_001407670.1, NM_001407671.1 and 11 more transcripts); and 42 more; short protein forms P977fs, P930fs, P866fs, P907fs, P929fs, P935fs, P976fs, P809fs.
Identifiers: ClinVar variation 1797810 (VCV001797810.9), dbSNP rs397509025, ClinGen allele CA2580093937.

ClinVar aggregate classification (germline): Pathogenic/Likely pathogenic. Review status: criteria provided, multiple submitters, no conflicts (2 of 4 stars). 4 submissions from 4 submitters: Pathogenic (3); Likely pathogenic (1). Last evaluated 2025-11-05.

Conditions:
Breast-ovarian cancer, familial, susceptibility to, 1 (BROVCA1). Also called: BRCA1 Hereditary Breast and Ovarian Cancer; OVARIAN CANCER, SUSCEPTIBILITY TO. Identifiers: Orphanet 145, MedGen C2676676, MONDO:0011450, OMIM 604370. Disease mechanism: loss of function.
Hereditary breast ovarian cancer syndrome. Also called: Hereditary breast and ovarian cancer; Hereditary breast and ovarian cancer syndrome (HBOC); Breast and ovarian cancer; Hereditary breast and/or ovarian cancer syndrome; Hereditary breast and ovarian cancer syndrome; BRCA1- and BRCA2-Associated Hereditary Breast and Ovarian Cancer. Identifiers: Orphanet 145, MedGen C0677776, MeSH D061325, MONDO:0003582. Disease mechanism: loss of function.
Hereditary cancer-predisposing syndrome. Also called: Tumor predisposition; Hereditary Cancer Syndrome; Hereditary neoplastic syndrome; Neoplastic Syndromes, Hereditary. Identifiers: Orphanet 140162, MedGen C0027672, MeSH D009386, MONDO:0015356.

Submissions (4):

Labcorp Genetics (formerly Invitae), Labcorp
Classification: Pathogenic for Hereditary breast ovarian cancer syndrome. Last evaluated: 2025-11-05. Review status: criteria provided, single submitter. Criteria: Invitae Variant Classification Sherloc (09022015). Collection method: clinical testing. Allele origin: germline.
Comment: This sequence change creates a premature translational stop signal (p.Pro977Hisfs*23) in the BRCA1 gene. It is expected to result in an absent or disrupted protein product. Loss-of-function variants in BRCA1 are known to be pathogenic (PMID: 20104584). This variant is not present in population databases (gnomAD no frequency). This variant has not been reported in the literature in individuals affected with BRCA1-related conditions. ClinVar contains an entry for this variant (Variation ID: 1797810). For these reasons, this variant has been classified as Pathogenic.

Color Diagnostics, LLC DBA Color Health
Classification: Pathogenic for Hereditary cancer-predisposing syndrome. Last evaluated: 2024-09-23. Review status: criteria provided, single submitter. Criteria: ACMG Guidelines, 2015. Collection method: clinical testing. Allele origin: germline.
Comment: This variant deletes 1 nucleotide in exon 10 of the BRCA1 gene, creating a frameshift and premature translation stop signal. This variant is expected to result in an absent or non-functional protein product. To our knowledge, this variant has not been reported in individuals affected with BRCA1-related disorders in the literature. This variant has not been identified in the general population by the Genome Aggregation Database (gnomAD). Loss of BRCA1 function is a known mechanism of disease. Based on the available evidence, this variant is classified as Pathogenic.

Baylor Genetics
Classification: Likely pathogenic for Breast-ovarian cancer, familial, susceptibility to, 1. Last evaluated: 2023-06-06. Review status: criteria provided, single submitter. Criteria: ACMG Guidelines, 2015. Collection method: clinical testing. Allele origin: unknown.

Ambry Genetics
Classification: Pathogenic for Hereditary cancer-predisposing syndrome. Last evaluated: 2021-12-30. Review status: criteria provided, single submitter. Criteria: Ambry Variant Classification Scheme 2023. Collection method: clinical testing. Allele origin: germline.
Comment: The c.2930delC pathogenic mutation, located in coding exon 9 of the BRCA1 gene, results from a deletion of one nucleotide at nucleotide position 2930, causing a translational frameshift with a predicted alternate stop codon (p.P977Hfs*23). This variant is considered to be rare based on population cohorts in the Genome Aggregation Database (gnomAD). This alteration is expected to result in loss of function by premature protein truncation or nonsense-mediated mRNA decay. As such, this alteration is interpreted as a disease-causing mutation.

Literature cited by the submitters: PubMed 20104584 (cited by Labcorp Genetics (formerly Invitae), Labcorp).